The following is an entry in ClinVar:

NM_000719.7(CACNA1C):c.1406G>A (p.Ser469Asn)

Gene: CACNA1C (calcium voltage-gated channel subunit alpha1 C; plus strand). Cytogenetic location: 12p13.33.
Variant type: single nucleotide variant.
Coding change: c.1406G>A on transcript NM_000719.7 (MANE Select); coding-DNA position 1406, G replaced by A.
Protein change: p.Ser469Asn; replaces serine 469 with asparagine.
Molecular consequence: missense variant.
Genome position (GRCh38, 1-based): chr12:2,549,958, G>A. VCF-style: chr12-2549958-G-A. GRCh37 (hg19) VCF-style: chr12-2659124-G-A.
Other names: c.1406G>A, p.Ser469Asn (NM_001129827.2, NM_001129829.2, NM_001129830.3 and 18 more transcripts); c.1397G>A, p.Ser466Asn (NM_001129844.2); short protein forms S466N, S469N.
Identifiers: ClinVar variation 3662311 (VCV003662311.3).

ClinVar aggregate classification (germline): Uncertain significance. Review status: criteria provided, multiple submitters, no conflicts (2 of 4 stars). 2 submissions from 2 submitters: Uncertain significance (2). Last evaluated 2025-09-17.

Conditions:
Long QT syndrome (LQTS). Identifiers: MedGen C0023976, MeSH D008133, MONDO:0002442. Disease mechanism: loss of function. Inheritance: Various modes of inheritance.
Brugada syndrome. Also called: Sudden unexpected nocturnal death syndrome; Sudden unexplained nocturnal death syndrome; Sudden Unexplained Death Syndrome; Sudden Unexplained Nocturnal Death Syndrome (SUNDS). Identifiers: Orphanet 130, MedGen C1142166, MONDO:0015263.

gnomAD v4.1: 5 of 1,604,432 alleles (0.00031%); highest among the groups gnomAD compares: Non-Finnish European, 0.00043%; no homozygotes.

Submissions (2):

Labcorp Genetics (formerly Invitae), Labcorp
Classification: Uncertain significance for Long QT syndrome. Last evaluated: 2025-09-17. Review status: criteria provided, single submitter. Criteria: Invitae Variant Classification Sherloc (09022015). Collection method: clinical testing. Allele origin: germline.
Comment: This sequence change replaces serine, which is neutral and polar, with asparagine, which is neutral and polar, at codon 469 of the CACNA1C protein (p.Ser469Asn). This variant is present in population databases (rs777076698, gnomAD 0.002%). This variant has not been reported in the literature in individuals affected with CACNA1C-related conditions. ClinVar contains an entry for this variant (Variation ID: 3662311). Invitae Evidence Modeling of protein sequence and biophysical properties (such as structural, functional, and spatial information, amino acid conservation, physicochemical variation, residue mobility, and thermodynamic stability) indicates that this missense variant is not expected to disrupt CACNA1C protein function with a negative predictive value of 80%. In summary, the available evidence is currently insufficient to determine the role of this variant in disease. Therefore, it has been classified as a Variant of Uncertain Significance.

Department of Pathology and Laboratory Medicine, Sinai Health System
Classification: Uncertain significance for Brugada syndrome. Last evaluated: 2023-01-31. Review status: criteria provided, single submitter. Criteria: ACMG Guidelines, 2015. Collection method: research. Allele origin: germline.